The following is an entry in ClinVar:

ClinVar aggregate classification (germline): Uncertain significance (1 of 4 stars; one submission).

Conditions:
Hereditary cancer-predisposing syndrome. Also called: Hereditary Cancer Syndrome; Hereditary neoplastic syndrome; Neoplastic Syndromes, Hereditary; Tumor predisposition. Identifiers: Orphanet 140162, MedGen C0027672, MeSH D009386, MONDO:0015356.

Submission:

Ambry Genetics
Classification: Uncertain significance for Hereditary cancer-predisposing syndrome. Last evaluated: 2025-07-08. Review status: criteria provided, single submitter. Criteria: Ambry Variant Classification Scheme 2023. Collection method: clinical testing. Allele origin: germline.
Comment: The p.F249L variant (also known as c.747T>G), located in coding exon 6 of the CDK4 gene, results from a T to G substitution at nucleotide position 747. The phenylalanine at codon 249 is replaced by leucine, an amino acid with highly similar properties. This amino acid position is highly conserved in available vertebrate species. In addition, the in silico prediction for this alteration is inconclusive. Based on the available evidence, the clinical significance of this variant remains unclear.

NM_000075.4(CDK4):c.747T>G (p.Phe249Leu)

Genes: TSPAN31 (tetraspanin 31; plus strand), CDK4 (cyclin dependent kinase 4; minus strand). Cytogenetic location: 12q14.1.
Variant type: single nucleotide variant.
Coding change: c.747T>G on transcript NM_000075.4 (MANE Select); coding-DNA position 747, T replaced by G.
Protein change: p.Phe249Leu; replaces phenylalanine 249 with leucine.
Molecular consequence: missense variant. On other transcripts: 3 prime UTR variant (3).
Genome position (GRCh38, 1-based): chr12:57,749,254, A>C on the plus strand (T>G on the coding strand, the complement: CDK4 is on the minus strand). VCF-style: chr12-57749254-A-C. GRCh37 (hg19) VCF-style: chr12-58143037-A-C.
Other names: c.*1964A>C (NM_001330168.2, NM_001330169.2, NM_005981.5); short protein forms F249L.
Identifiers: ClinVar variation 4224568 (VCV004224568.1).